The following is an entry in ClinVar:

NM_001394998.1(TANC2):c.3221G>C (p.Ser1074Thr)

Genes: TANC2 (tetratricopeptide repeat, ankyrin repeat and coiled-coil containing 2; plus strand), LOC105371856 (uncharacterized LOC105371856; minus strand). Cytogenetic location: 17q23.3.
Variant type: single nucleotide variant.
Coding change: c.3221G>C on transcript NM_001394998.1 (MANE Select); coding-DNA position 3221, G replaced by C.
Protein change: p.Ser1074Thr; replaces serine 1074 with threonine.
Molecular consequence: missense variant.
Genome position (GRCh38, 1-based): chr17:63,395,912, G>C. VCF-style: chr17-63395912-G-C. GRCh37 (hg19) VCF-style: chr17-61473273-G-C.
Other names: c.2999G>C, p.Ser1000Thr (NM_001411076.1, NM_025185.4); short protein forms S1000T, S1074T.
Identifiers: ClinVar variation 3067500 (VCV003067500.21), dbSNP rs2048141707, ClinGen allele CA400533804.

ClinVar aggregate classification (germline): Uncertain significance (1 of 4 stars; one submission).

Allele frequency attached by ClinVar (database versions not stated): gnomAD exomes 0.00001.
gnomAD v4.1: 6 of 1,608,854 alleles (0.00037%); highest among the groups gnomAD compares: Non-Finnish European, 0.00042%; no homozygotes.

Submission:

CeGaT Center for Human Genetics Tuebingen
Classification: Uncertain significance. Last evaluated: 2024-03-01. Review status: criteria provided, single submitter. Criteria: CeGaT Center For Human Genetics Tuebingen Variant Classification Criteria Version 2. Collection method: clinical testing. Allele origin: germline. Affected: yes. Observed: 1 variant allele.
Comment: TANC2: PM2